The following is an entry in ClinVar:

NM_001029883.3(PCARE):c.*286G>T

Gene: PCARE (photoreceptor cilium actin regulator; minus strand). Cytogenetic location: 2p23.2.
Variant type: single nucleotide variant.
Coding change: c.*286G>T on transcript NM_001029883.3 (MANE Select); 286 bases downstream of the stop codon, G replaced by T.
Molecular consequence: 3 prime UTR variant.
Genome position (GRCh38, 1-based): chr2:29,064,583, C>A on the plus strand (G>T on the coding strand, the complement: PCARE is on the minus strand). VCF-style: chr2-29064583-C-A. GRCh37 (hg19) VCF-style: chr2-29287449-C-A.
Identifiers: ClinVar variation 335631 (VCV000335631.5), dbSNP rs78759931, ClinGen allele CA10615215.

ClinVar aggregate classification (germline): Likely benign (1 of 4 stars; one submission).

Conditions:
Retinitis pigmentosa (RP). Identifiers: Orphanet 791, MedGen C0035334, MeSH D012174, MONDO:0019200, OMIM 268000. Inheritance: Autosomal dominant, autosomal recessive and X linked inheritance.

Allele frequency attached by ClinVar (database versions not stated): gnomAD 0.01291; TOPMed 0.01492; 1000 Genomes Project 30x 0.01530; 1000 Genomes Project 0.01577.
gnomAD v4.1: 2,868 of 568,952 alleles (0.5%); highest among the groups gnomAD compares: African/African-American, 4.6%; 66 homozygotes.

Submission:

Illumina Laboratory Services, Illumina
Classification: Likely benign for Retinitis pigmentosa. Last evaluated: 2018-01-13. Review status: criteria provided, single submitter. Criteria: ICSL Variant Classification Criteria 13 December 2019. Collection method: clinical testing. Allele origin: germline.
Comment: This variant was observed in the ICSL laboratory as part of a predisposition screen in an ostensibly healthy population. It had not been previously curated by ICSL or reported in the Human Gene Mutation Database (HGMD: prior to June 1st, 2018), and was therefore a candidate for classification through an automated scoring system. Utilizing variant allele frequency, disease prevalence and penetrance estimates, and inheritance mode, an automated score was calculated to assess if this variant is too frequent to cause the disease. Based on the score and internal cut-off values, a variant classified as likely benign is not then subjected to further curation. The score for this variant resulted in a classification of likely benign for this disease.